The following is an entry in ClinVar:

NM_032656.4(DHX37):c.127G>A (p.Val43Ile)

Gene: DHX37 (DEAH-box helicase 37; minus strand). Cytogenetic location: 12q24.31.
Variant type: single nucleotide variant.
Coding change: c.127G>A on transcript NM_032656.4 (MANE Select); coding-DNA position 127, G replaced by A.
Protein change: p.Val43Ile; replaces valine 43 with isoleucine.
Molecular consequence: missense variant.
Genome position (GRCh38, 1-based): chr12:124,986,245, C>T on the plus strand (G>A on the coding strand, the complement: DHX37 is on the minus strand). VCF-style: chr12-124986245-C-T. GRCh37 (hg19) VCF-style: chr12-125470791-C-T.
Other names: c.127G>A (NM_032656.3); short protein forms V43I.
Identifiers: ClinVar variation 2903469 (VCV002903469.4), dbSNP rs765288962, ClinGen allele CA6872542.

ClinVar aggregate classification (germline): Uncertain significance. Review status: criteria provided, multiple submitters, no conflicts (2 of 4 stars). 2 submissions from 2 submitters: Uncertain significance (2). Last evaluated 2024-02-12.

Conditions:
Inborn genetic diseases. Identifiers: MedGen C0950123, MeSH D030342.

Allele frequency attached by ClinVar (database versions not stated): ExAC 0.00001; TOPMed 0.00003; gnomAD 0.00004.

Submissions (2):

Ambry Genetics
Classification: Uncertain significance for Inborn genetic diseases. Last evaluated: 2024-02-12. Review status: criteria provided, single submitter. Criteria: Ambry Variant Classification Scheme 2023. Collection method: clinical testing. Allele origin: germline.

Labcorp Genetics (formerly Invitae), Labcorp
Classification: Uncertain significance. Last evaluated: 2023-09-19. Review status: criteria provided, single submitter. Criteria: Invitae Variant Classification Sherloc (09022015). Collection method: clinical testing. Allele origin: germline.
Comment: This sequence change replaces valine, which is neutral and non-polar, with isoleucine, which is neutral and non-polar, at codon 43 of the DHX37 protein (p.Val43Ile). This variant is present in population databases (rs765288962, gnomAD 0.02%). This variant has not been reported in the literature in individuals affected with DHX37-related conditions. Algorithms developed to predict the effect of missense changes on protein structure and function output the following: SIFT: "Not Available"; PolyPhen-2: "Not Available"; Align-GVGD: "Not Available". The isoleucine amino acid residue is found in multiple mammalian species, which suggests that this missense change does not adversely affect protein function. In summary, the available evidence is currently insufficient to determine the role of this variant in disease. Therefore, it has been classified as a Variant of Uncertain Significance.